The following is an entry in ClinVar:

ClinVar aggregate classification (germline): Uncertain significance (1 of 4 stars; one submission).

Allele frequency attached by ClinVar (database versions not stated): TOPMed below 0.00001.

Submission:

GeneDx
Classification: Uncertain significance. Last evaluated: 2019-09-05. Review status: criteria provided, single submitter. Criteria: GeneDx Variant Classification Process June 2021. Collection method: clinical testing. Allele origin: germline. Affected: yes.
Comment: Has not been previously published as pathogenic or benign to our knowledge; Not observed in large population cohorts (Lek et al., 2016); In silico analysis, which includes protein predictors and evolutionary conservation, supports a deleterious effect

NM_006445.4(PRPF8):c.1691A>G (p.Tyr564Cys)

Gene: PRPF8 (pre-mRNA processing factor 8; minus strand). Cytogenetic location: 17p13.3.
Variant type: single nucleotide variant.
Coding change: c.1691A>G on transcript NM_006445.4 (MANE Select); coding-DNA position 1691, A replaced by G.
Protein change: p.Tyr564Cys; replaces tyrosine 564 with cysteine.
Molecular consequence: missense variant.
Genome position (GRCh38, 1-based): chr17:1,678,790, T>C on the plus strand (A>G on the coding strand, the complement: PRPF8 is on the minus strand). VCF-style: chr17-1678790-T-C. GRCh37 (hg19) VCF-style: chr17-1582084-T-C.
Other names: short protein forms Y564C.
Identifiers: ClinVar variation 1309385 (VCV001309385.2), dbSNP rs1025677958, ClinGen allele CA286812742.